The following is an entry in ClinVar:

ClinVar aggregate classification (germline): Benign/Likely benign. Review status: criteria provided, multiple submitters, no conflicts (2 of 4 stars). 4 submissions from 4 submitters: Benign (2); Likely benign (2). Last evaluated 2026-07-01.

Allele frequency attached by ClinVar (database versions not stated): ESP Exome Variant Server 0.00193; gnomAD exomes 0.00195 and 0.00152; ExAC 0.00292; 1000 Genomes Project 0.00120; 1000 Genomes Project 30x 0.00141; gnomAD 0.00151 and 0.00163; TOPMed 0.00154.
gnomAD v4.1: 3,072 of 1,593,296 alleles (0.19%); highest among the groups gnomAD compares: Middle Eastern, 1.2%; 5 homozygotes.

Submissions (4):

CeGaT Center for Human Genetics Tuebingen
Classification: Likely benign. Last evaluated: 2026-07-01. Review status: criteria provided, single submitter. Criteria: CeGaT Center For Human Genetics Tuebingen Variant Classification Criteria Version 2. Collection method: clinical testing. Allele origin: germline. Affected: yes. Observed: 2 variant alleles.
Comment: SLC9A3: BP4, BP7

Labcorp Genetics (formerly Invitae), Labcorp
Classification: Benign. Last evaluated: 2026-02-01. Review status: criteria provided, single submitter. Criteria: Invitae Variant Classification Sherloc (09022015). Collection method: clinical testing. Allele origin: germline.

Blueprint Genetics
Classification: Likely benign. Last evaluated: 2024-11-15. Review status: criteria provided, single submitter. Criteria: ACMG Guidelines, 2015. Collection method: clinical testing. Allele origin: germline.

Breakthrough Genomics
Classification: Benign. Review status: criteria provided, single submitter. Criteria: ACMG Guidelines, 2015. Collection method: not provided. Allele origin: germline. Inheritance: Autosomal recessive inheritance. Affected: yes.

NM_004174.4(SLC9A3):c.462C>T (p.Asn154=)

Gene: SLC9A3 (solute carrier family 9 member A3). Cytogenetic location: 5p15.33.
Variant type: single nucleotide variant.
Coding change: c.462C>T on transcript NM_004174.4 (MANE Select); coding-DNA position 462, C replaced by T.
Protein change: p.Asn154=; no amino-acid change (asparagine 154 retained).
Molecular consequence: synonymous variant.
Genome position (GRCh38, 1-based): chr5:491,821, G>A on the plus strand (C>T on the coding strand, the complement: SLC9A3 is on the minus strand). VCF-style: chr5-491821-G-A. GRCh37 (hg19) VCF-style: chr5-491936-G-A.
Other names: c.462C>T, p.Asn154= (NM_001284351.3).
Identifiers: ClinVar variation 718515 (VCV000718515.19), dbSNP rs137949901, ClinGen allele CA3176332.